The following is an entry in ClinVar:

NC_000003.12:g.169765059C>T

Genes: TERC (telomerase RNA component; minus strand), LOC110806306 (telomerase RNA component (TERC) promoter; plus strand). Cytogenetic location: 3q26.2.
Variant type: single nucleotide variant.
Genome position: GRCh38 VCF-style: chr3-169765059-C-T. GRCh37 (hg19) VCF-style: chr3-169482847-C-T.
Identifiers: ClinVar variation 2851362 (VCV002851362.3), dbSNP rs199422257, ClinGen allele CA436716080.

ClinVar aggregate classification (germline): Uncertain significance (1 of 4 stars; one submission).

Conditions:
Dyskeratosis congenita, autosomal dominant 1 (DKCA1). Also called: Dyskeratosis congenita Scoggins type. Identifiers: Orphanet 1775, MedGen C4551974, MONDO:0007485, OMIM 127550. Inheritance: Variable.

gnomAD v4.1: 1 of 764,528 alleles (0.00013%); no homozygotes.

Submission:

Labcorp Genetics (formerly Invitae), Labcorp
Classification: Uncertain significance for Dyskeratosis congenita, autosomal dominant 1. Last evaluated: 2024-01-10. Review status: criteria provided, single submitter. Criteria: Invitae Variant Classification Sherloc (09022015). Collection method: clinical testing. Allele origin: germline.
Comment: This variant occurs in the TERC gene, which encodes an RNA molecule that does not result in a protein product. This variant is present in population databases (no rsID available, gnomAD 0.008%). This variant has not been reported in the literature in individuals affected with TERC-related conditions. Experimental studies and prediction algorithms are not available or were not evaluated, and the functional significance of this variant is currently unknown. This variant is located at the 5’ end of the TERC RNA component (PMID: 15082312, 21844345). The functional significance of this region is not well understood. In summary, the available evidence is currently insufficient to determine the role of this variant in disease. Therefore, it has been classified as a Variant of Uncertain Significance.

Literature cited by the submitters: PubMed 15082312; PubMed 21844345.